The following is an entry in ClinVar:

ClinVar aggregate classification (germline): Uncertain significance. Review status: criteria provided, multiple submitters, no conflicts (2 of 4 stars). 2 submissions from 2 submitters: Uncertain significance (2). Last evaluated 2026-03-21.

gnomAD v4.1: 4 of 1,606,746 alleles (0.00025%); highest among the groups gnomAD compares: East Asian, 0.0067%; no homozygotes.

Submissions (2):

GeneDx
Classification: Uncertain significance. Last evaluated: 2026-03-21. Review status: criteria provided, single submitter. Criteria: GeneDx Variant Classification Process June 2021. Collection method: clinical testing. Allele origin: germline.
Comment: In silico analysis supports that this missense variant has a deleterious effect on protein structure/function; Has not been previously published as pathogenic or benign to our knowledge

Women's Health and Genetics/Laboratory Corporation of America, LabCorp
Classification: Uncertain significance. Last evaluated: 2025-10-21. Review status: criteria provided, single submitter. Criteria: LabCorp Variant Classification Summary - May 2015. Collection method: clinical testing. Allele origin: germline.

NM_006939.4(SOS2):c.2474A>G (p.His825Arg)

Gene: SOS2 (SOS Ras/Rho guanine nucleotide exchange factor 2; minus strand). Cytogenetic location: 14q21.3.
Variant type: single nucleotide variant.
Coding change: c.2474A>G on transcript NM_006939.4 (MANE Select); coding-DNA position 2474, A replaced by G.
Protein change: p.His825Arg; replaces histidine 825 with arginine.
Molecular consequence: missense variant.
Genome position (GRCh38, 1-based): chr14:50,145,507, T>C on the plus strand (A>G on the coding strand, the complement: SOS2 is on the minus strand). VCF-style: chr14-50145507-T-C. GRCh37 (hg19) VCF-style: chr14-50612225-T-C.
Other names: c.2375A>G, p.His792Arg (NM_001411020.1); short protein forms H792R, H825R.
Identifiers: ClinVar variation 3368609 (VCV003368609.3).